The following is an entry in ClinVar:

NM_000059.4(BRCA2):c.9082G>C (p.Ala3028Pro)

Gene: BRCA2 (BRCA2 DNA repair associated; plus strand). Cytogenetic location: 13q13.1.
Variant type: single nucleotide variant.
Coding change: c.9082G>C on transcript NM_000059.4 (MANE Select); coding-DNA position 9082, G replaced by C.
Protein change: p.Ala3028Pro; replaces alanine 3028 with proline.
Molecular consequence: missense variant.
Genome position (GRCh38, 1-based): chr13:32,379,878, G>C. VCF-style: chr13-32379878-G-C. GRCh37 (hg19) VCF-style: chr13-32954015-G-C.
Other names: short protein forms A3028P.
Identifiers: ClinVar variation 126199 (VCV000126199.28), dbSNP rs80359161, ClinGen allele CA025963.
Genomic context (GRCh38, chr13:32,379,878, plus strand): 5'-ATTTATCATCTTGCAACTTCAAAATCTAAAAGTAAATCTGAAAGAGCTAACATACAGTTA[G>C]CAGCGACAAAAAAAACTCAGTATCAACAACTACCGGTACAAACCTTTCATTGTAATTTTT-3'
Protein context (NP_000050.3, residues 3018-3038): SKSERANIQL[Ala3028Pro]ATKKTQYQQL

ClinVar aggregate classification (germline): Pathogenic/Likely pathogenic. Review status: criteria provided, multiple submitters, no conflicts (2 of 4 stars). 9 submissions from 9 submitters: Pathogenic (1); Likely pathogenic (6). 2 of the submissions do not count toward it. Last evaluated 2025-11-12.

Conditions:
Hereditary cancer-predisposing syndrome. Also called: Tumor predisposition; Hereditary Cancer Syndrome; Neoplastic Syndromes, Hereditary; Hereditary neoplastic syndrome. Identifiers: Orphanet 140162, MedGen C0027672, MeSH D009386, MONDO:0015356.
Hereditary breast ovarian cancer syndrome. Also called: Hereditary breast and ovarian cancer; Hereditary breast and/or ovarian cancer syndrome; BRCA1- and BRCA2-Associated Hereditary Breast and Ovarian Cancer; Hereditary breast and ovarian cancer syndrome; Hereditary breast and ovarian cancer syndrome (HBOC); Breast and ovarian cancer. Identifiers: Orphanet 145, MedGen C0677776, MeSH D061325, MONDO:0003582. Disease mechanism: loss of function.
Breast-ovarian cancer, familial, susceptibility to, 2 (BROVCA2). Also called: BRCA2 Hereditary Breast and Ovarian Cancer. Identifiers: Orphanet 145, MedGen C2675520, MONDO:0012933, OMIM 612555. Disease mechanism: loss of function.
Fanconi anemia complementation group D1. Also called: BRCA2-Related Fanconi Anemia. Identifiers: Orphanet 319462, MedGen C1838457, MONDO:0011584, OMIM 605724.
Familial cancer of breast. Also called: BREAST CANCER, FAMILIAL; Hereditary breast cancer; hereditary breast carcinoma. Identifiers: Orphanet 227535, MedGen C0346153, MONDO:0016419, OMIM 114480. Disease mechanism: loss of function.

Allele frequency attached by ClinVar (database versions not stated): gnomAD exomes below 0.00001.
gnomAD v4.1: 6 of 1,613,818 alleles (0.00037%); highest among the groups gnomAD compares: Non-Finnish European, 0.00051%; no homozygotes.

Submissions (9):

Labcorp Genetics (formerly Invitae), Labcorp
Classification: Likely pathogenic for Hereditary breast ovarian cancer syndrome. Last evaluated: 2025-11-12. Review status: criteria provided, single submitter. Criteria: Invitae Variant Classification Sherloc (09022015). Collection method: clinical testing. Allele origin: germline.
Comment: This sequence change replaces alanine, which is neutral and non-polar, with proline, which is neutral and non-polar, at codon 3028 of the BRCA2 protein (p.Ala3028Pro). This variant is not present in population databases (gnomAD no frequency). This missense change has been observed in individual(s) with breast cancer or Fanconi anemia (PMID: 25682074, 27273131, 34687993, 34697207). In at least one individual the data is consistent with being in trans (on the opposite chromosome) from a pathogenic variant. ClinVar contains an entry for this variant (Variation ID: 126199). Invitae Evidence Modeling incorporating data from in vitro experimental studies (PMID: 33609447) indicates that this missense variant is expected to disrupt BRCA2 function with a positive predictive value of 95%. Experimental studies have shown that this missense change affects BRCA2 function (PMID: 29884841, 33609447). RNA analysis performed to evaluate the impact of this missense change on mRNA splicing indicates it does not significantly alter splicing (internal data). In summary, the currently available evidence indicates that the variant is pathogenic, but additional data are needed to prove that conclusively. Therefore, this variant has been classified as Likely Pathogenic.

Color Diagnostics, LLC DBA Color Health
Classification: Likely pathogenic for Hereditary cancer-predisposing syndrome. Last evaluated: 2025-05-27. Review status: criteria provided, single submitter. Criteria: ACMG Guidelines, 2015. Collection method: clinical testing. Allele origin: germline.
Comment: This missense variant replaces alanine with proline at codon 3028 of the BRCA2 protein. Computational prediction suggests that this variant may not impact protein structure and function. Functional studies have shown that this variant impacts BRCA2 function in homology-directed DNA repair assays (PMID: 29884841, 33609447, 35736817). This variant has been reported in three individuals affected with breast cancer (PMID: 25682074, 27273131, ClinVar: SCV000184056.9) and in the compound heterozygous state with c.4415_4418delAGAA in an individual affected with autosomal recessive Fanconi anemia (PMID: 34687993, 34697207). This variant has not been identified in the general population by the Genome Aggregation Database (gnomAD). Based on the available evidence, this variant is classified as Likely Pathogenic.

Quest Diagnostics Nichols Institute San Juan Capistrano
Classification: Likely pathogenic. Last evaluated: 2024-03-01. Review status: criteria provided, single submitter. Criteria: Quest Diagnostics criteria. Collection method: clinical testing. Allele origin: unknown.
Comment: The BRCA2 c.9082G>C (p.Ala3028Pro) variant has been reported in the published literature in individuals with breast cancer (PMIDs: 25682074 (2015) and 27273131 (2016)) or Fanconi anemia with at least one case where the variant is in trans with another BRCA2 pathogenic variant (PMIDs: 34687993 (2021), 34697207 (2022), and 36721989 (2023)). Experimental studies showed that this variant has a deleterious effect in homology-directed DNA repair assays (PMIDs: 29884841 (2019), 33609447 (2021), and 35736817 (2022)). This variant has not been reported in large, multi-ethnic general populations (Genome Aggregation Database). Analysis of this variant using bioinformatics tools for the prediction of the effect of amino acid changes on protein structure and function yielded conflicting predictions that this variant is deleterious or benign. Based on the available information, this variant is classified as likely pathogenic.

Baylor Genetics
Classification: Likely pathogenic for Familial cancer of breast. Last evaluated: 2024-02-28. Review status: criteria provided, single submitter. Criteria: ACMG Guidelines, 2015. Collection method: clinical testing. Allele origin: unknown.

Ambry Genetics
Classification: Pathogenic for Hereditary cancer-predisposing syndrome. Last evaluated: 2023-12-04. Review status: criteria provided, single submitter. Criteria: Ambry Variant Classification Scheme 2023. Collection method: clinical testing. Allele origin: germline.
Comment: The p.A3028P pathogenic mutation (also known as c.9082G>C), located in coding exon 22 of the BRCA2 gene, results from a G to C substitution at nucleotide position 9082. The alanine at codon 3028 is replaced by proline, an amino acid with highly similar properties. This alteration was found to segregate with disease in a family with early-onset breast cancer (Ambry internal data). In addition, this variant has been confirmed in trans with a pathogenic mutation in BRCA2 in an individual with a mild form of Fanconi anemia (Ip E et al. J Med Genet. 2022 Sep;59(9):912-915). This variant was non-functional in a homology-directed DNA repair (HDR) assay (Richardson ME et al. Am J Hum Genet. 2021 Mar;108(3):458-468). Internal structural analysis predicts that this alteration will disrupt single-stranded DNA binding (Ambry internal data). This amino acid position is poorly conserved in available vertebrate species. In addition, the in silico prediction for this alteration is inconclusive. This variant is considered to be rare based on population cohorts in the Genome Aggregation Database (gnomAD). Based on the supporting evidence, this alteration is interpreted as a disease-causing mutation. However, because this variant has been identified in a patient with Fanconi Anemia, this alteration may be hypomorphic, and thus, carriers of this variant and their families may present with reduced risks, and not with the typical clinical characteristics of a high-risk pathogenic BRCA2 alteration. As risk estimates are unknown at this time, clinical correlation is advised.

GeneDx
Classification: Likely pathogenic. Last evaluated: 2023-03-30. Review status: criteria provided, single submitter. Criteria: GeneDx Variant Classification Process June 2021. Collection method: clinical testing. Allele origin: germline. Affected: yes.
Comment: Observed in an individual with triple negative breast cancer and a family history of breast and/or ovarian cancer (Wong-Brown et al., 2015); Not observed at significant frequency in large population cohorts (gnomAD); In silico analysis supports that this missense variant does not alter protein structure/function; Also known as 9310G>C; This variant is associated with the following publications: (PMID: 19043619, 22228431, 12228710, 34687993, 33609447, 29884841, 27273131, 34697207, 34308104, 35665744, 35736817, 25682074)

Women's Health and Genetics/Laboratory Corporation of America, LabCorp
Classification: Likely pathogenic for Hereditary breast ovarian cancer syndrome. Last evaluated: 2023-03-16. Review status: criteria provided, single submitter. Criteria: LabCorp Variant Classification Summary - May 2015. Collection method: clinical testing. Allele origin: germline.
Comment: Variant summary: BRCA2 c.9082G>C (p.Ala3028Pro) results in a non-conservative amino acid change located in the OB3 fold (IPR015188), which is part of the DNA-binding domain of the Brca2 protein (Hart_2019). Three of four in-silico tools predict a benign effect of the variant on protein function. The variant was absent in 249750 control chromosomes (gnomAD). c.9082G>C has been reported in the literature in individuals affected with breast cancer (Byers_2016, Wong-Brown_2015) and other tumor phenotypes (McReynolds_2021, Kim_2021). In addition, the variant was also reported in a patient diagnosed with late-onset Fanconi anaemia, who carried a pathogenic (frame-shift) variant in trans (Ip_2022), which suggests that the variant might be a hypomorphic allele. An in vitro functional study reported that this variant results in a decreased activity in homology-directed DNA repair (HDR) assay (Hart_2018, Richardson_2021, Hu_2022). Five submitters have provided clinical-significance assessments for this variant in ClinVar after 2014, partly without evidence for independent evaluation, and classified the variant as pathogenic (n=1) / likely pathogenic (n=1), or VUS (n=3). Based on the evidence outlined above, the variant was classified as likely pathogenic.

Molecular Medicine, NSW Health Pathology North, Newcastle
Classification: Likely pathogenic for Fanconi anemia complementation group D1. Last evaluated: 2017-05-17. Review status: no assertion criteria provided. Collection method: clinical testing. Allele origin: germline. Inheritance: Autosomal recessive inheritance. Affected: yes. Observed: 1 variant allele, 1 compound heterozygote. Not counted in ClinVar's aggregate classification.
Comment: At the time it was classified as a Variant of Unknown Significance.

Breast Cancer Information Core (BIC) (BRCA2)
Classification: Uncertain significance for Breast-ovarian cancer, familial 2. Last evaluated: 2002-05-29. Review status: flagged submission. Collection method: clinical testing. Allele origin: germline. Affected: yes. Observed: 3 variant alleles. Not counted in ClinVar's aggregate classification.
ClinVar note: Reason: Outlier claim with insufficient supporting evidence

Literature cited by the submitters: PubMed 25682074 (cited by 4 submitters); PubMed 27273131 (cited by 4 submitters); PubMed 34687993 (cited by 3 submitters); PubMed 34697207 (cited by 5 submitters); PubMed 33609447 (cited by 5 submitters); PubMed 29884841 (cited by 4 submitters); PubMed 35736817 (cited by 3 submitters); PubMed 19043619 (cited by Quest Diagnostics Nichols Institute San Juan Capistrano and Ambry Genetics); PubMed 22228431 (cited by Quest Diagnostics Nichols Institute San Juan Capistrano); PubMed 34308104 (cited by Women's Health and Genetics/Laboratory Corporation of America, LabCorp).